The following is an entry in ClinVar:

NM_014679.5(CEP57):c.1147A>C (p.Lys383Gln)

Gene: CEP57 (centrosomal protein 57; plus strand). Cytogenetic location: 11q21.
Variant type: single nucleotide variant.
Coding change: c.1147A>C on transcript NM_014679.5 (MANE Select); coding-DNA position 1147, A replaced by C.
Protein change: p.Lys383Gln; replaces lysine 383 with glutamine.
Molecular consequence: missense variant.
Genome position (GRCh38, 1-based): chr11:95,829,206, A>C. VCF-style: chr11-95829206-A-C. GRCh37 (hg19) VCF-style: chr11-95562370-A-C.
Other names: c.1120A>C, p.Lys374Gln (NM_001243776.2); c.1069A>C, p.Lys357Gln (NM_001243777.2); c.1066A>C, p.Lys356Gln (NM_001363604.2); short protein forms K383Q, K374Q, K357Q, K356Q.
Identifiers: ClinVar variation 3831989 (VCV003831989.1).

ClinVar aggregate classification (germline): Uncertain significance (1 of 4 stars; one submission).

Conditions:
Inborn genetic diseases. Identifiers: MedGen C0950123, MeSH D030342.

gnomAD v4.1: 11 of 1,613,906 alleles (0.00068%); highest among the groups gnomAD compares: South Asian, 0.0055%; no homozygotes.

Submission:

Ambry Genetics
Classification: Uncertain significance for Inborn genetic diseases. Last evaluated: 2025-02-08. Review status: criteria provided, single submitter. Criteria: Ambry Variant Classification Scheme 2023. Collection method: clinical testing. Allele origin: germline.
Comment: The p.K383Q variant (also known as c.1147A>C), located in coding exon 10 of the CEP57 gene, results from an A to C substitution at nucleotide position 1147. The lysine at codon 383 is replaced by glutamine, an amino acid with similar properties. This amino acid position is conserved. In addition, this alteration is predicted to be tolerated by in silico analysis. Based on the available evidence, the clinical significance of this variant remains unclear.